The following is an entry in ClinVar:

NM_000059.4(BRCA2):c.6995G>T (p.Cys2332Phe)

Gene: BRCA2 (BRCA2 DNA repair associated; plus strand). Cytogenetic location: 13q13.1.
Variant type: single nucleotide variant.
Coding change: c.6995G>T on transcript NM_000059.4 (MANE Select); coding-DNA position 6995, G replaced by T.
Protein change: p.Cys2332Phe; replaces cysteine 2332 with phenylalanine.
Molecular consequence: missense variant. On other transcripts: non-coding transcript variant (1).
Genome position (GRCh38, 1-based): chr13:32,346,884, G>T. VCF-style: chr13-32346884-G-T. GRCh37 (hg19) VCF-style: chr13-32921021-G-T.
Other names: c.6899G>T, p.Cys2300Phe (NM_001406719.1); c.6995G>T, p.Cys2332Phe (NM_001406720.1, NM_001432077.1); c.2063G>T, p.Cys688Phe (NM_001406721.1); c.578G>T, p.Cys193Phe (NM_001406722.1); short protein forms C193F, C2300F, C2332F, C688F.
Identifiers: ClinVar variation 4802334 (VCV004802334.1).

ClinVar aggregate classification (germline): Uncertain significance (1 of 4 stars; one submission).

Conditions:
Hereditary breast ovarian cancer syndrome. Also called: Hereditary breast and ovarian cancer syndrome (HBOC); Hereditary breast and ovarian cancer; Breast and ovarian cancer; Hereditary breast and/or ovarian cancer syndrome; BRCA1- and BRCA2-Associated Hereditary Breast and Ovarian Cancer; Hereditary breast and ovarian cancer syndrome. Identifiers: Orphanet 145, MedGen C0677776, MeSH D061325, MONDO:0003582. Disease mechanism: loss of function.

Submission:

Labcorp Genetics (formerly Invitae), Labcorp
Classification: Uncertain significance for Hereditary breast ovarian cancer syndrome. Last evaluated: 2025-04-30. Review status: criteria provided, single submitter. Criteria: Invitae Variant Classification Sherloc (09022015). Collection method: clinical testing. Allele origin: germline.
Comment: This sequence change replaces cysteine, which is neutral and slightly polar, with phenylalanine, which is neutral and non-polar, at codon 2332 of the BRCA2 protein (p.Cys2332Phe). This variant is not present in population databases (gnomAD no frequency). This variant has not been reported in the literature in individuals affected with BRCA2-related conditions. Invitae Evidence Modeling of protein sequence and biophysical properties (such as structural, functional, and spatial information, amino acid conservation, physicochemical variation, residue mobility, and thermodynamic stability) indicates that this missense variant is not expected to disrupt BRCA2 protein function with a negative predictive value of 95%. In summary, the available evidence is currently insufficient to determine the role of this variant in disease. Therefore, it has been classified as a Variant of Uncertain Significance.